The following is an entry in ClinVar:

ClinVar aggregate classification (germline): Pathogenic. Review status: criteria provided, multiple submitters, no conflicts (2 of 4 stars). 2 submissions from 2 submitters: Pathogenic (2). Last evaluated 2025-01-29.

gnomAD v4.1: 5 of 1,613,960 alleles (0.00031%); highest among the groups gnomAD compares: African/African-American, 0.0013%; no homozygotes.

Submissions (2):

Labcorp Genetics (formerly Invitae), Labcorp
Classification: Pathogenic. Last evaluated: 2025-01-29. Review status: criteria provided, single submitter. Criteria: Invitae Variant Classification Sherloc (09022015). Collection method: clinical testing. Allele origin: germline.
Comment: This sequence change creates a premature translational stop signal (p.Arg1735*) in the SPTA1 gene. It is expected to result in an absent or disrupted protein product. Loss-of-function variants in SPTA1 are known to be pathogenic (PMID: 9192783, 18815189, 31333484, 31723846, 32266426). This variant is not present in population databases (gnomAD no frequency). This premature translational stop signal has been observed in individual(s) with clinical features of SPTA1-related conditions (PMID: 31038472). For these reasons, this variant has been classified as Pathogenic.

Revvity Omics, Revvity
Classification: Pathogenic. Last evaluated: 2024-05-29. Review status: criteria provided, single submitter. Criteria: ACMG Guidelines, 2015. Collection method: clinical testing. Allele origin: germline.

Literature cited by the submitters: PubMed 9192783 (cited by Labcorp Genetics (formerly Invitae), Labcorp); PubMed 18815189 (cited by Labcorp Genetics (formerly Invitae), Labcorp); PubMed 31333484 (cited by Labcorp Genetics (formerly Invitae), Labcorp); PubMed 31723846 (cited by Labcorp Genetics (formerly Invitae), Labcorp); PubMed 32266426 (cited by Labcorp Genetics (formerly Invitae), Labcorp); PubMed 31038472 (cited by Labcorp Genetics (formerly Invitae), Labcorp).

NM_003126.4(SPTA1):c.5203C>T (p.Arg1735Ter)

Gene: SPTA1 (spectrin alpha, erythrocytic 1; minus strand). Cytogenetic location: 1q23.1.
Variant type: single nucleotide variant.
Coding change: c.5203C>T on transcript NM_003126.4 (MANE Select); coding-DNA position 5203, C replaced by T.
Protein change: p.Arg1735Ter; replaces arginine 1735 with a stop codon.
Molecular consequence: nonsense.
Genome position (GRCh38, 1-based): chr1:158,636,748, G>A on the plus strand (C>T on the coding strand, the complement: SPTA1 is on the minus strand). VCF-style: chr1-158636748-G-A. GRCh37 (hg19) VCF-style: chr1-158606538-G-A.
Other names: short protein forms R1735*.
Identifiers: ClinVar variation 3718576 (VCV003718576.3).